The following is an entry in ClinVar:

NM_000507.4(FBP1):c.-194C>T

Gene: FBP1 (fructose-bisphosphatase 1; minus strand). Cytogenetic location: 9q22.32.
Variant type: single nucleotide variant.
Coding change: c.-194C>T on transcript NM_000507.4 (MANE Select); 194 bases upstream of the start codon, C replaced by T.
Molecular consequence: 5 prime UTR variant. On other transcripts: intron variant (1).
Genome position (GRCh38, 1-based): chr9:94,639,504, G>A on the plus strand (C>T on the coding strand, the complement: FBP1 is on the minus strand). VCF-style: chr9-94639504-G-A. GRCh37 (hg19) VCF-style: chr9-97401786-G-A.
Other names: c.-24-170C>T (NM_001127628.2).
Identifiers: ClinVar variation 367563 (VCV000367563.9), dbSNP rs2296707, ClinGen allele CA10627679.

ClinVar aggregate classification (germline): Benign. Review status: criteria provided, multiple submitters, no conflicts (2 of 4 stars). 3 submissions from 3 submitters: Benign (3). Last evaluated 2018-06-29.

Conditions:
Fructose-biphosphatase deficiency (FBP1D). Also called: Fructose 1,6 Bisphosphatase Deficiency; Fructose-1,6-Bisphosphatase 1 Deficiency; Fructose-1,6-Diphosphatase Deficiency. Identifiers: Orphanet 348, MedGen C0016756, MONDO:0009251, OMIM 229700.

Allele frequency attached by ClinVar (database versions not stated): TOPMed 0.12362; 1000 Genomes Project 0.15196; gnomAD 0.11114 and 0.10821; gnomAD exomes 0.10273; 1000 Genomes Project 30x 0.14991.
gnomAD v4.1: 70,873 of 673,300 alleles (11%); highest among the groups gnomAD compares: Admixed American, 22%; 4,688 homozygotes.

Submissions (3):

GeneDx
Classification: Benign. Last evaluated: 2018-06-29. Review status: criteria provided, single submitter. Criteria: GeneDx Variant Classification Process June 2021. Collection method: clinical testing. Allele origin: germline. Affected: yes.

Illumina Laboratory Services, Illumina
Classification: Benign for Fructose-biphosphatase deficiency. Last evaluated: 2018-01-12. Review status: criteria provided, single submitter. Criteria: ICSL Variant Classification Criteria 13 December 2019. Collection method: clinical testing. Allele origin: germline.
Comment: This variant was observed in the ICSL laboratory as part of a predisposition screen in an ostensibly healthy population. It had not been previously curated by ICSL or reported in the Human Gene Mutation Database (HGMD: prior to June 1st, 2018), and was therefore a candidate for classification through an automated scoring system. Utilizing variant allele frequency, disease prevalence and penetrance estimates, and inheritance mode, an automated score was calculated to assess if this variant is too frequent to cause the disease. Based on the score and internal cut-off values, a variant classified as benign is not then subjected to further curation. The score for this variant resulted in a classification of benign for this disease.

Breakthrough Genomics
Classification: Benign. Review status: criteria provided, single submitter. Criteria: ACMG Guidelines, 2015. Collection method: not provided. Allele origin: germline. Inheritance: Autosomal recessive inheritance. Affected: yes.